The following is an entry in ClinVar:

ClinVar aggregate classification (germline): Uncertain significance (1 of 4 stars; one submission).

Submission:

Labcorp Genetics (formerly Invitae), Labcorp
Classification: Uncertain significance. Last evaluated: 2024-09-19. Review status: criteria provided, single submitter. Criteria: Invitae Variant Classification Sherloc (09022015). Collection method: clinical testing. Allele origin: germline.
Comment: This sequence change replaces glycine, which is neutral and non-polar, with glutamic acid, which is acidic and polar, at codon 1016 of the ALPK3 protein (p.Gly1016Glu). This variant is not present in population databases (gnomAD no frequency). This variant has not been reported in the literature in individuals affected with ALPK3-related conditions. An algorithm developed to predict the effect of missense changes on protein structure and function (PolyPhen-2) suggests that this variant is likely to be tolerated. In summary, the available evidence is currently insufficient to determine the role of this variant in disease. Therefore, it has been classified as a Variant of Uncertain Significance.

NM_020778.5(ALPK3):c.2441G>A (p.Gly814Glu)

Gene: ALPK3 (alpha kinase 3; plus strand). Cytogenetic location: 15q25.3.
Variant type: single nucleotide variant.
Coding change: c.2441G>A on transcript NM_020778.5 (MANE Select); coding-DNA position 2441, G replaced by A.
Protein change: p.Gly814Glu; replaces glycine 814 with glutamic acid.
Molecular consequence: missense variant.
Genome position (GRCh38, 1-based): chr15:84,857,179, G>A. VCF-style: chr15-84857179-G-A. GRCh37 (hg19) VCF-style: chr15-85400410-G-A.
Other names: short protein forms G814E.
Identifiers: ClinVar variation 3644243 (VCV003644243.2).